The following is an entry in ClinVar:

ClinVar aggregate classification (germline): Uncertain significance (1 of 4 stars; one submission).

Submission:

Labcorp Genetics (formerly Invitae), Labcorp
Classification: Uncertain significance. Last evaluated: 2024-10-29. Review status: criteria provided, single submitter. Criteria: Invitae Variant Classification Sherloc (09022015). Collection method: clinical testing. Allele origin: germline.
Comment: This sequence change replaces methionine, which is neutral and non-polar, with valine, which is neutral and non-polar, at codon 512 of the OCA2 protein (p.Met512Val). This variant is not present in population databases (gnomAD no frequency). This variant has not been reported in the literature in individuals affected with OCA2-related conditions. ClinVar contains an entry for this variant (Variation ID: 1499684). Invitae Evidence Modeling of protein sequence and biophysical properties (such as structural, functional, and spatial information, amino acid conservation, physicochemical variation, residue mobility, and thermodynamic stability) indicates that this missense variant is not expected to disrupt OCA2 protein function with a negative predictive value of 80%. In summary, the available evidence is currently insufficient to determine the role of this variant in disease. Therefore, it has been classified as a Variant of Uncertain Significance.

NM_000275.3(OCA2):c.1534A>G (p.Met512Val)

Gene: OCA2 (OCA2 melanosomal transmembrane protein; minus strand). Cytogenetic location: 15q13.1.
Variant type: single nucleotide variant.
Coding change: c.1534A>G on transcript NM_000275.3 (MANE Select); coding-DNA position 1534, A replaced by G.
Protein change: p.Met512Val; replaces methionine 512 with valine.
Molecular consequence: missense variant.
Genome position (GRCh38, 1-based): chr15:27,966,792, T>C on the plus strand (A>G on the coding strand, the complement: OCA2 is on the minus strand). VCF-style: chr15-27966792-T-C. GRCh37 (hg19) VCF-style: chr15-28211938-T-C.
Other names: c.1462A>G, p.Met488Val (NM_001300984.2); short protein forms M488V, M512V.
Identifiers: ClinVar variation 1499684 (VCV001499684.7), dbSNP rs1439320132, ClinGen allele CA391357166.